The following is an entry in ClinVar:

ClinVar aggregate classification (germline): Likely benign. Review status: criteria provided, multiple submitters, no conflicts (2 of 4 stars). 3 submissions from 3 submitters: Likely benign (3). Last evaluated 2026-01-04.

Allele frequency attached by ClinVar (database versions not stated): gnomAD 0.00013; 1000 Genomes Project 0.00020; TOPMed 0.00022; ESP Exome Variant Server 0.00023; 1000 Genomes Project 30x 0.00031.
gnomAD v4.1: 597 of 1,612,384 alleles (0.037%); highest among the groups gnomAD compares: Non-Finnish European, 0.049%; no homozygotes.

Submissions (3):

Labcorp Genetics (formerly Invitae), Labcorp
Classification: Likely benign. Last evaluated: 2026-01-04. Review status: criteria provided, single submitter. Criteria: Invitae Variant Classification Sherloc (09022015). Collection method: clinical testing. Allele origin: germline.

Blueprint Genetics
Classification: Likely benign. Last evaluated: 2024-10-11. Review status: criteria provided, single submitter. Criteria: ACMG Guidelines, 2015. Collection method: clinical testing. Allele origin: germline.

CeGaT Center for Human Genetics Tuebingen
Classification: Likely benign. Last evaluated: 2024-03-01. Review status: criteria provided, single submitter. Criteria: CeGaT Center For Human Genetics Tuebingen Variant Classification Criteria Version 2. Collection method: clinical testing. Allele origin: germline. Affected: yes. Observed: 2 variant alleles.
Comment: SLC25A42: BP4, BP7

NM_178526.5(SLC25A42):c.480C>T (p.Ala160=)

Gene: SLC25A42 (solute carrier family 25 member 42; plus strand). Cytogenetic location: 19p13.11.
Variant type: single nucleotide variant.
Coding change: c.480C>T on transcript NM_178526.5 (MANE Select); coding-DNA position 480, C replaced by T.
Protein change: p.Ala160=; no amino-acid change (alanine 160 retained).
Molecular consequence: synonymous variant.
Genome position (GRCh38, 1-based): chr19:19,106,368, C>T. VCF-style: chr19-19106368-C-T. GRCh37 (hg19) VCF-style: chr19-19217177-C-T.
Other names: c.480C>T, p.Ala160= (NM_001321544.2).
Identifiers: ClinVar variation 2040842 (VCV002040842.29), dbSNP rs148112263, ClinGen allele CA9321491.